The following is an entry in ClinVar:

ClinVar aggregate classification (germline): Uncertain significance (1 of 4 stars; one submission).

Submission:

Labcorp Genetics (formerly Invitae), Labcorp
Classification: Uncertain significance. Last evaluated: 2022-07-25. Review status: criteria provided, single submitter. Criteria: Invitae Variant Classification Sherloc (09022015). Collection method: clinical testing. Allele origin: germline.
Comment: This sequence change falls in intron 5 of the CDH3 gene. It does not directly change the encoded amino acid sequence of the CDH3 protein. This variant is not present in population databases (gnomAD no frequency). This variant has not been reported in the literature in individuals affected with CDH3-related conditions. ClinVar contains an entry for this variant (Variation ID: 1354194). Algorithms developed to predict the effect of sequence changes on RNA splicing suggest that this variant may create or strengthen a splice site. In summary, the available evidence is currently insufficient to determine the role of this variant in disease. Therefore, it has been classified as a Variant of Uncertain Significance.

NM_001793.6(CDH3):c.546+9C>G

Gene: CDH3 (cadherin 3; plus strand). Cytogenetic location: 16q22.1.
Variant type: single nucleotide variant.
Coding change: c.546+9C>G on transcript NM_001793.6 (MANE Select); 9 bases into the intron after coding-DNA position 546, C replaced by G.
Molecular consequence: intron variant.
Genome position (GRCh38, 1-based): chr16:68,678,665, C>G. VCF-style: chr16-68678665-C-G. GRCh37 (hg19) VCF-style: chr16-68712568-C-G.
Other names: c.381+9C>G (NM_001317196.2); c.546+9C>G (NM_001317195.3).
Identifiers: ClinVar variation 1354194 (VCV001354194.6), dbSNP rs2152100109, ClinGen allele CA2573152507.